The following is an entry in ClinVar:

ClinVar aggregate classification (germline): Uncertain significance (1 of 4 stars; one submission).

Conditions:
Bifunctional peroxisomal enzyme deficiency (DBIF). Also called: PBFE DEFICIENCY; D-bifunctional protein deficiency; DBP DEFICIENCY. Identifiers: Orphanet 300, MedGen C0342870, MONDO:0009855, OMIM 261515. Disease mechanism: loss of function.

Submission:

Myriad Genetics, Inc.
Classification: Uncertain significance for Bifunctional peroxisomal enzyme deficiency. Last evaluated: 2025-08-12. Review status: criteria provided, single submitter. Criteria: Myriad Autosomal Dominant, Autosomal Recessive and X-Linked Classification Criteria (2023). Collection method: clinical testing. Allele origin: unknown.
Comment: NM_000414.3(HSD17B4):c.58+182C>G is an intronic variant classified as a variant of uncertain significance in the context of HSD17B4-related disorders. c.58+182C>G has not been observed in cases with relevant disease. Relevant functional assessments of this variant are not available in the literature. c.58+182C>G has not been observed in referenced population frequency databases. In summary, there is insufficient evidence to classify NM_000414.3(HSD17B4):c.58+182C>G as pathogenic or benign. Please note: this variant was assessed in the context of healthy population screening.

NM_000414.4(HSD17B4):c.58+182C>G

Gene: HSD17B4 (hydroxysteroid 17-beta dehydrogenase 4; plus strand). Cytogenetic location: 5q23.1.
Variant type: single nucleotide variant.
Coding change: c.58+182C>G on transcript NM_000414.4 (MANE Select); 182 bases into the intron after coding-DNA position 58, C replaced by G.
Molecular consequence: intron variant. On other transcripts: nonsense (1), 5 prime UTR variant (6), non-coding transcript variant (1).
Genome position (GRCh38, 1-based): chr5:119,452,815, C>G. VCF-style: chr5-119452815-C-G. GRCh37 (hg19) VCF-style: chr5-118788510-C-G.
Other names: c.62C>G, p.Ser21Ter (NM_001199291.3); c.-360C>G (NM_001292028.2, NM_001374501.1); c.-294C>G (NM_001374499.1); c.-487C>G (NM_001374500.1); c.-365C>G (NM_001374502.1); c.-430C>G (NM_001374503.1); c.-80+182C>G (NM_001292027.2); c.58+182C>G (NM_001374498.1, NM_001374497.1, NM_001199292.2); short protein forms S21*.
Identifiers: ClinVar variation 5003384 (VCV005003384.1).